The following is an entry in ClinVar:

ClinVar aggregate classification (germline): Uncertain significance. Review status: criteria provided, multiple submitters, no conflicts (2 of 4 stars). 4 submissions from 4 submitters: Uncertain significance (3). 1 of the submissions does not count toward it. Last evaluated 2022-04-01.

Conditions:
Primary ciliary dyskinesia. Also called: Ciliary dyskinesia. Identifiers: Orphanet 244, MedGen C0008780, MONDO:0016575, HP:0012265.

Allele frequency attached by ClinVar (database versions not stated): gnomAD exomes below 0.00001; TOPMed 0.00003.
gnomAD v4.1: 2 of 1,613,952 alleles (0.00012%); highest among the groups gnomAD compares: Non-Finnish European, 0.00017%; no homozygotes.

Submissions (4):

GeneDx
Classification: Uncertain significance. Last evaluated: 2022-04-01. Review status: criteria provided, single submitter. Criteria: GeneDx Variant Classification Process June 2021. Collection method: clinical testing. Allele origin: germline. Affected: yes.
Comment: Not observed at significant frequency in large population cohorts (gnomAD); In silico analysis supports that this missense variant does not alter protein structure/function; Has not been previously published as pathogenic or benign to our knowledge

Labcorp Genetics (formerly Invitae), Labcorp
Classification: Uncertain significance for Primary ciliary dyskinesia. Last evaluated: 2021-09-01. Review status: criteria provided, single submitter. Criteria: Invitae Variant Classification Sherloc (09022015). Collection method: clinical testing. Allele origin: germline.
Comment: This sequence change replaces threonine with serine at codon 338 of the DNAH5 protein (p.Thr338Ser). The threonine residue is weakly conserved and there is a small physicochemical difference between threonine and serine. This variant is not present in population databases (ExAC no frequency). This variant has not been reported in the literature in individuals affected with DNAH5-related conditions. Algorithms developed to predict the effect of missense changes on protein structure and function output the following: SIFT: "Tolerated"; PolyPhen-2: "Benign"; Align-GVGD: "Class C0". The serine amino acid residue is found in multiple mammalian species, which suggests that this missense change does not adversely affect protein function. Algorithms developed to predict the effect of sequence changes on RNA splicing suggest that this variant may create or strengthen a splice site. In summary, the available evidence is currently insufficient to determine the role of this variant in disease. Therefore, it has been classified as a Variant of Uncertain Significance.

Blueprint Genetics
Classification: Uncertain significance. Last evaluated: 2021-07-10. Review status: criteria provided, single submitter. Criteria: ACMG Guidelines, 2015. Collection method: clinical testing. Allele origin: germline.

Natera, Inc.
Classification: Uncertain significance for Primary ciliary dyskinesia. Last evaluated: 2020-09-03. Review status: no assertion criteria provided. Collection method: clinical testing. Allele origin: germline. Not counted in ClinVar's aggregate classification.

NM_001369.3(DNAH5):c.1013C>G (p.Thr338Ser)

Gene: DNAH5 (dynein axonemal heavy chain 5; minus strand). Cytogenetic location: 5p15.2.
Variant type: single nucleotide variant.
Coding change: c.1013C>G on transcript NM_001369.3 (MANE Select); coding-DNA position 1013, C replaced by G.
Protein change: p.Thr338Ser; replaces threonine 338 with serine.
Molecular consequence: missense variant.
Genome position (GRCh38, 1-based): chr5:13,917,219, G>C on the plus strand (C>G on the coding strand, the complement: DNAH5 is on the minus strand). VCF-style: chr5-13917219-G-C. GRCh37 (hg19) VCF-style: chr5-13917328-G-C.
Other names: short protein forms T338S.
Identifiers: ClinVar variation 939834 (VCV000939834.14), dbSNP rs1390111024, ClinGen allele CA359218046.